The following is an entry in ClinVar:

ClinVar aggregate classification (germline): Likely benign. Review status: criteria provided, single submitter (1 of 4 stars). 2 submissions from 2 submitters: Likely benign (1). 1 of the submissions does not count toward it. Last evaluated 2025-12-19.

Conditions:
CREBBP-related disorder. Also called: CREBBP-related disorders; CREBBP-related condition.
Rubinstein-Taybi syndrome (RSTS). Identifiers: Orphanet 783, MedGen C0035934, MONDO:0019188.

Allele frequency attached by ClinVar (database versions not stated): gnomAD exomes below 0.00001; ExAC 0.00001; gnomAD 0.00002; TOPMed 0.00004.
gnomAD v4.1: 6 of 1,607,460 alleles (0.00037%); highest among the groups gnomAD compares: African/African-American, 0.0067%; no homozygotes.

Submissions (2):

Labcorp Genetics (formerly Invitae), Labcorp
Classification: Likely benign for Rubinstein-Taybi syndrome. Last evaluated: 2025-12-19. Review status: criteria provided, single submitter. Criteria: Invitae Variant Classification Sherloc (09022015). Collection method: clinical testing. Allele origin: germline.

PreventionGenetics, part of Exact Sciences
Classification: Likely benign for CREBBP-related condition. Last evaluated: 2023-10-19. Review status: no assertion criteria provided. Collection method: clinical testing. Allele origin: germline. Not counted in ClinVar's aggregate classification.
Comment: This variant is classified as likely benign based on ACMG/AMP sequence variant interpretation guidelines (Richards et al. 2015 PMID: 25741868, with internal and published modifications).

NM_004380.3(CREBBP):c.1941+8G>T

Gene: CREBBP (CREB binding lysine acetyltransferase; minus strand). Cytogenetic location: 16p13.3.
Variant type: single nucleotide variant.
Coding change: c.1941+8G>T on transcript NM_004380.3 (MANE Select); 8 bases into the intron after coding-DNA position 1941, G replaced by T.
Molecular consequence: intron variant.
Genome position (GRCh38, 1-based): chr16:3,778,692, C>A on the plus strand (G>T on the coding strand, the complement: CREBBP is on the minus strand). VCF-style: chr16-3778692-C-A. GRCh37 (hg19) VCF-style: chr16-3828693-C-A.
Other names: c.1827+8G>T (NM_001079846.1); c.1941+8G>T (NM_004380.2).
Identifiers: ClinVar variation 2718134 (VCV002718134.5), dbSNP rs761673254, ClinGen allele CA7870325.